The following is an entry in ClinVar:

ClinVar aggregate classification (germline): Uncertain significance (1 of 4 stars; one submission).

Conditions:
PLXNA4-related disorder. Also called: PLXNA4-related condition.

gnomAD v4.1: 14 of 1,614,004 alleles (0.00087%); highest among the groups gnomAD compares: African/African-American, 0.004%; no homozygotes.

Submission:

PreventionGenetics, part of Exact Sciences
Classification: Uncertain significance for PLXNA4-related condition. Last evaluated: 2026-08-31. Review status: criteria provided, single submitter. Criteria: ACMG Guidelines, 2015. Collection method: clinical testing. Allele origin: germline.
Comment: The PLXNA4 c.3346G>A variant is predicted to result in the amino acid substitution p.Glu1116Lys. To our knowledge, this variant has not been reported in the literature. This variant is reported in 0.011% of alleles in individuals of African descent in gnomAD. At this time, the clinical significance of this variant is uncertain due to the absence of conclusive functional and genetic evidence.

NM_020911.2(PLXNA4):c.3346G>A (p.Glu1116Lys)

Gene: PLXNA4 (plexin A4; minus strand). Cytogenetic location: 7q32.3.
Variant type: single nucleotide variant.
Coding change: c.3346G>A on transcript NM_020911.2 (MANE Select); coding-DNA position 3346, G replaced by A.
Protein change: p.Glu1116Lys; replaces glutamic acid 1116 with lysine.
Molecular consequence: missense variant.
Genome position (GRCh38, 1-based): chr7:132,181,527, C>T on the plus strand (G>A on the coding strand, the complement: PLXNA4 is on the minus strand). VCF-style: chr7-132181527-C-T. GRCh37 (hg19) VCF-style: chr7-131866286-C-T.
Other names: c.3346G>A, p.Glu1116Lys (NM_001393897.1); short protein forms E1116K.
Identifiers: ClinVar variation 3357888 (VCV003357888.2).
Genomic context (GRCh38, chr7:132,181,527, plus strand): 5'-AGTTGGTCTTGTTGAGGATGAGCAGGGACTGGACGTTGTCCAGGATGAAGCCAAACTCCT[C>T]GGGCCTCTCGGTCAGGTCTGACTGGTGGTCAGGACCCAGAGCGAGGGCGGGCGCCTGACA-3'
Protein context (NP_065962.1, residues 1106-1126): DHQSDLTERP[Glu1116Lys]EFGFILDNVQ